The following is an entry in ClinVar:

ClinVar aggregate classification (germline): Benign/Likely benign. Review status: criteria provided, multiple submitters, no conflicts (2 of 4 stars). 5 submissions from 5 submitters: Benign (1); Likely benign (4). Last evaluated 2025-11-21.

Conditions:
Cardiovascular phenotype. Identifiers: MedGen CN230736.
Dilated cardiomyopathy 2B. Identifiers: Orphanet 154, MedGen C3553409, MONDO:0013848, OMIM 614672.

Allele frequency attached by ClinVar (database versions not stated): gnomAD exomes 0.00019 and 0.00046; ExAC 0.00020; TOPMed 0.00020; gnomAD 0.00021; ESP Exome Variant Server 0.00046.
gnomAD v4.1: 702 of 1,612,064 alleles (0.044%); highest among the groups gnomAD compares: Non-Finnish European, 0.056%; 1 homozygote.

Submissions (5):

Labcorp Genetics (formerly Invitae), Labcorp
Classification: Likely benign for Dilated cardiomyopathy 2B. Last evaluated: 2025-11-21. Review status: criteria provided, single submitter. Criteria: Invitae Variant Classification Sherloc (09022015). Collection method: clinical testing. Allele origin: germline.

Blueprint Genetics
Classification: Likely benign. Last evaluated: 2024-11-04. Review status: criteria provided, single submitter. Criteria: ACMG Guidelines, 2015. Collection method: clinical testing. Allele origin: germline.

Ambry Genetics
Classification: Likely benign for Cardiovascular phenotype. Last evaluated: 2018-10-08. Review status: criteria provided, single submitter. Criteria: Ambry Variant Classification Scheme 2023. Collection method: clinical testing. Allele origin: germline.

GeneDx
Classification: Benign. Last evaluated: 2015-07-16. Review status: criteria provided, single submitter. Criteria: GeneDx Variant Classification (06012015). Collection method: clinical testing. Allele origin: germline. Affected: yes.
Comment: This variant is considered likely benign or benign based on one or more of the following criteria: it is a conservative change, it occurs at a poorly conserved position in the protein, it is predicted to be benign by multiple in silico algorithms, and/or has population frequency not consistent with disease.

Laboratory for Molecular Medicine, Mass General Brigham Personalized Medicine
Classification: Likely benign. Last evaluated: 2012-03-19. Review status: criteria provided, single submitter. Criteria: LMM Criteria. Collection method: clinical testing. Allele origin: germline. Observed: 2 variant alleles.
Comment: p.Ser92Ser in exon 2 of GATAD1: This variant is not expected to have clinical si gnificance because it does not alter an amino acid residue and is not located wi thin the splice consensus sequence. It has been identified in 3/7020 European Am erican chromosomes from a broad population by the NHLBI Exome Sequencing Project (dbSNP rs143082866).

NM_021167.5(GATAD1):c.276T>G (p.Ser92=)

Gene: GATAD1 (GATA zinc finger domain containing 1; plus strand). Cytogenetic location: 7q21.2.
Variant type: single nucleotide variant.
Coding change: c.276T>G on transcript NM_021167.5 (MANE Select); coding-DNA position 276, T replaced by G.
Protein change: p.Ser92=; no amino-acid change (serine 92 retained).
Molecular consequence: synonymous variant. On other transcripts: non-coding transcript variant (1).
Genome position (GRCh38, 1-based): chr7:92,448,778, T>G. VCF-style: chr7-92448778-T-G. GRCh37 (hg19) VCF-style: chr7-92078092-T-G.
Identifiers: ClinVar variation 45826 (VCV000045826.17), dbSNP rs143082866, ClinGen allele CA137114.